The following is an entry in ClinVar:

NM_198282.4(STING1):c.376C>G (p.Leu126Val)

Genes: STING1 (stimulator of interferon response cGAMP interactor 1; minus strand), LOC123522803 (Sharpr-MPRA regulatory region 11914; plus strand). Cytogenetic location: 5q31.2.
Variant type: single nucleotide variant.
Coding change: c.376C>G on transcript NM_198282.4 (MANE Select); coding-DNA position 376, C replaced by G.
Protein change: p.Leu126Val; replaces leucine 126 with valine.
Molecular consequence: missense variant.
Genome position (GRCh38, 1-based): chr5:139,481,194, G>C on the plus strand (C>G on the coding strand, the complement: STING1 is on the minus strand). VCF-style: chr5-139481194-G-C. GRCh37 (hg19) VCF-style: chr5-138860779-G-C.
Other names: c.376C>G, p.Leu126Val (NM_001301738.2); c.19C>G, p.Leu7Val (NM_001367258.1); short protein forms L126V, L7V.
Identifiers: ClinVar variation 2707519 (VCV002707519.3), dbSNP rs142609349, ClinGen allele CA361481227.
Genomic context (GRCh38, chr5:139,481,194, plus strand): 5'-GCTTCTACCTCCCCCTGTGTCATACCTTGAGGCCCAGGAGGATGTTCAGTGCCTGCGAGA[G>C]GCCCAGGAGGGCAAGCATCCAAGTGAAGGGCGGGCCGACCGCATTTGGGAGGGAGTAGTA-3'
Protein context (NP_938023.1, residues 116-136): PFTWMLALLG[Leu126Val]SQALNILLGL

ClinVar aggregate classification (germline): Uncertain significance (1 of 4 stars; one submission).

Conditions:
STING-associated vasculopathy with onset in infancy. Also called: Sting-associated vasculopathy, infantile-onset. Identifiers: Orphanet 425120, MedGen C4014722, MONDO:0014405, OMIM 615934.

Submission:

Labcorp Genetics (formerly Invitae), Labcorp
Classification: Uncertain significance for STING-associated vasculopathy with onset in infancy. Last evaluated: 2024-01-04. Review status: criteria provided, single submitter. Criteria: Invitae Variant Classification Sherloc (09022015). Collection method: clinical testing. Allele origin: germline.
Comment: This sequence change replaces leucine, which is neutral and non-polar, with valine, which is neutral and non-polar, at codon 126 of the TMEM173 protein (p.Leu126Val). This variant is not present in population databases (gnomAD no frequency). This variant has not been reported in the literature in individuals affected with TMEM173-related conditions. Advanced modeling of protein sequence and biophysical properties (such as structural, functional, and spatial information, amino acid conservation, physicochemical variation, residue mobility, and thermodynamic stability) performed at Invitae indicates that this missense variant is not expected to disrupt TMEM173 protein function with a negative predictive value of 80%. In summary, the available evidence is currently insufficient to determine the role of this variant in disease. Therefore, it has been classified as a Variant of Uncertain Significance.